The following is an entry in ClinVar:

NM_022772.4(EPS8L2):c.1144G>A (p.Gly382Ser)

Gene: EPS8L2 (EPS8 signaling adaptor L2; plus strand). Cytogenetic location: 11p15.5.
Variant type: single nucleotide variant.
Coding change: c.1144G>A on transcript NM_022772.4 (MANE Select); coding-DNA position 1144, G replaced by A.
Protein change: p.Gly382Ser; replaces glycine 382 with serine.
Molecular consequence: missense variant.
Genome position (GRCh38, 1-based): chr11:722,485, G>A. VCF-style: chr11-722485-G-A. GRCh37 (hg19) VCF-style: chr11-722485-G-A.
Other names: c.1144G>A, p.Gly382Ser (NM_001441192.1, NM_001441193.1); c.607G>A, p.Gly203Ser (NM_001441194.1); short protein forms G203S, G382S.
Identifiers: ClinVar variation 4979887 (VCV004979887.1).

ClinVar aggregate classification (germline): Uncertain significance (1 of 4 stars; one submission).

Conditions:
EPS8L2-related disorder. Also called: EPS8L2-related condition.

gnomAD v4.1: 53 of 1,613,448 alleles (0.0033%); highest among the groups gnomAD compares: Non-Finnish European, 0.0041%; no homozygotes.

Submission:

PreventionGenetics, part of Exact Sciences
Classification: Uncertain significance for EPS8L2-related condition. Last evaluated: 2026-06-11. Review status: criteria provided, single submitter. Criteria: ACMG Guidelines, 2015. Collection method: clinical testing. Allele origin: germline.
Comment: The EPS8L2 c.1144G>A variant is predicted to result in the amino acid substitution p.Gly382Ser. To our knowledge, this variant has not been reported in the literature. This variant is reported in 0.0062% of alleles in individuals of African descent in gnomAD. At this time, the clinical significance of this variant is uncertain due to the absence of conclusive functional and genetic evidence.